The following is an entry in ClinVar:

NM_013372.7(GREM1):c.121C>G (p.His41Asp)

Gene: GREM1 (gremlin 1, DAN family BMP antagonist; plus strand). Cytogenetic location: 15q13.3.
Variant type: single nucleotide variant.
Coding change: c.121C>G on transcript NM_013372.7 (MANE Select); coding-DNA position 121, C replaced by G.
Protein change: p.His41Asp; replaces histidine 41 with aspartic acid.
Molecular consequence: missense variant. On other transcripts: intron variant (2).
Genome position (GRCh38, 1-based): chr15:32,730,811, C>G. VCF-style: chr15-32730811-C-G. GRCh37 (hg19) VCF-style: chr15-33023012-C-G.
Other names: c.121C>G, p.His41Asp (NM_001368719.1); c.114+7C>G (NM_001191323.2); c.27+94C>G (NM_001191322.2); short protein forms H41D.
Identifiers: ClinVar variation 3226248 (VCV003226248.1), dbSNP rs2055602956, ClinGen allele CA391557230.
Genomic context (GRCh38, chr15:32,730,811, plus strand): 5'-GCTGCTGAAGGGAAAAAGAAAGGGTCCCAAGGTGCCATCCCCCCGCCAGACAAGGCCCAG[C>G]ACAATGACTCAGAGCAGACTCAGTCGCCCCAGCAGCCTGGCTCCAGGAACCGGGGGCGGG-3'
Protein context (NP_037504.1, residues 31-51): GAIPPPDKAQ[His41Asp]NDSEQTQSPQ

ClinVar aggregate classification (germline): Uncertain significance (1 of 4 stars; one submission).

Conditions:
Hereditary cancer-predisposing syndrome. Also called: Neoplastic Syndromes, Hereditary; Tumor predisposition; Hereditary neoplastic syndrome; Hereditary Cancer Syndrome. Identifiers: Orphanet 140162, MedGen C0027672, MeSH D009386, MONDO:0015356.

Submission:

Ambry Genetics
Classification: Uncertain significance for Hereditary cancer-predisposing syndrome. Last evaluated: 2023-10-22. Review status: criteria provided, single submitter. Criteria: Ambry Variant Classification Scheme 2023. Collection method: clinical testing. Allele origin: germline.
Comment: The p.H41D variant (also known as c.121C>G), located in coding exon 1 of the GREM1 gene, results from a C to G substitution at nucleotide position 121. The histidine at codon 41 is replaced by aspartic acid, an amino acid with similar properties. This amino acid position is conserved. In addition, this alteration is predicted to be tolerated by in silico analysis. Since supporting evidence is limited at this time, the clinical significance of this alteration remains unclear.